The following is an entry in ClinVar:

ClinVar aggregate classification (germline): Benign. Review status: criteria provided, multiple submitters, no conflicts (2 of 4 stars). 3 submissions from 3 submitters: Benign (3). Last evaluated 2026-01-06.

Allele frequency attached by ClinVar (database versions not stated): gnomAD exomes 0.00442; ESP Exome Variant Server 0.00485; ExAC 0.00512; gnomAD 0.00528 and 0.00585; TOPMed 0.00602; 1000 Genomes Project 0.01098; 1000 Genomes Project 30x 0.01109.
gnomAD v4.1: 4,522 of 1,613,524 alleles (0.28%); highest among the groups gnomAD compares: East Asian, 2.5%; 59 homozygotes.

Submissions (3):

Labcorp Genetics (formerly Invitae), Labcorp
Classification: Benign. Last evaluated: 2026-01-06. Review status: criteria provided, single submitter. Criteria: Invitae Variant Classification Sherloc (09022015). Collection method: clinical testing. Allele origin: germline.

Mayo Clinic Laboratories, Mayo Clinic
Classification: Benign. Last evaluated: 2025-03-19. Review status: criteria provided, single submitter. Criteria: ACMG Guidelines, 2015. Collection method: clinical testing. Allele origin: germline. Observed: 5 variant alleles.
Comment: BS1, BS2, BP4

Breakthrough Genomics
Classification: Benign. Review status: criteria provided, single submitter. Criteria: ACMG Guidelines, 2015. Collection method: not provided. Allele origin: germline. Inheritance: Autosomal dominant inheritance. Affected: yes.

NM_001256071.3(RNF213):c.182C>T (p.Pro61Leu)

Gene: RNF213 (ring finger protein 213; plus strand). Cytogenetic location: 17q25.3.
Variant type: single nucleotide variant.
Coding change: c.182C>T on transcript NM_001256071.3 (MANE Select); coding-DNA position 182, C replaced by T.
Protein change: p.Pro61Leu; replaces proline 61 with leucine.
Molecular consequence: missense variant.
Genome position (GRCh38, 1-based): chr17:80,273,325, C>T. VCF-style: chr17-80273325-C-T. GRCh37 (hg19) VCF-style: chr17-78247124-C-T.
Other names: p.Pro61Leu; c.182C>T, p.Pro61Leu (NM_020954.4); short protein forms P61L.
Identifiers: ClinVar variation 721038 (VCV000721038.11), dbSNP rs9913317, ClinGen allele CA8819163.